The following is an entry in ClinVar:

NM_024685.4(BBS10):c.1684T>G (p.Leu562Val)

Gene: BBS10 (Bardet-Biedl syndrome 10; minus strand). Cytogenetic location: 12q21.2.
Variant type: single nucleotide variant.
Coding change: c.1684T>G on transcript NM_024685.4 (MANE Select); coding-DNA position 1684, T replaced by G.
Protein change: p.Leu562Val; replaces leucine 562 with valine.
Molecular consequence: missense variant.
Genome position (GRCh38, 1-based): chr12:76,346,301, A>C on the plus strand (T>G on the coding strand, the complement: BBS10 is on the minus strand). VCF-style: chr12-76346301-A-C. GRCh37 (hg19) VCF-style: chr12-76740081-A-C.
Other names: c.1684T>G (NM_024685.3); short protein forms L562V.
Identifiers: ClinVar variation 2979793 (VCV002979793.3), dbSNP rs111773727, ClinGen allele CA6694121.

ClinVar aggregate classification (germline): Uncertain significance. Review status: criteria provided, multiple submitters, no conflicts (2 of 4 stars). 3 submissions from 3 submitters: Uncertain significance (2). 1 of the submissions does not count toward it. Last evaluated 2023-11-19.

Conditions:
Bardet-Biedl syndrome (BBS). Identifiers: Orphanet 110, MedGen C0752166, MONDO:0015229.
BBS10-related disorder. Also called: BBS10-related condition.

Allele frequency attached by ClinVar (database versions not stated): ESP Exome Variant Server 0.00008.
gnomAD v4.1: 34 of 1,613,786 alleles (0.0021%); highest among the groups gnomAD compares: Non-Finnish European, 0.0028%; no homozygotes.

Submissions (3):

Labcorp Genetics (formerly Invitae), Labcorp
Classification: Uncertain significance for Bardet-Biedl syndrome. Last evaluated: 2023-11-19. Review status: criteria provided, single submitter. Criteria: Invitae Variant Classification Sherloc (09022015). Collection method: clinical testing. Allele origin: germline.
Comment: This sequence change replaces leucine, which is neutral and non-polar, with valine, which is neutral and non-polar, at codon 562 of the BBS10 protein (p.Leu562Val). This variant is present in population databases (rs111773727, gnomAD 0.01%). This variant has not been reported in the literature in individuals affected with BBS10-related conditions. Advanced modeling of protein sequence and biophysical properties (such as structural, functional, and spatial information, amino acid conservation, physicochemical variation, residue mobility, and thermodynamic stability) performed at Invitae indicates that this missense variant is not expected to disrupt BBS10 protein function with a negative predictive value of 80%. In summary, the available evidence is currently insufficient to determine the role of this variant in disease. Therefore, it has been classified as a Variant of Uncertain Significance.

Blueprint Genetics
Classification: Uncertain significance. Last evaluated: 2022-04-28. Review status: criteria provided, single submitter. Criteria: ACMG Guidelines, 2015. Collection method: clinical testing. Allele origin: germline.

PreventionGenetics, part of Exact Sciences
Classification: Uncertain significance for BBS10-related condition. Last evaluated: 2024-04-03. Review status: no assertion criteria provided. Collection method: clinical testing. Allele origin: germline. Not counted in ClinVar's aggregate classification.
Comment: The BBS10 c.1684T>G variant is predicted to result in the amino acid substitution p.Leu562Val. To our knowledge, this variant has not been reported in the literature. This variant is reported in 0.012% of alleles in individuals of African descent in gnomAD. At this time, the clinical significance of this variant is uncertain due to the absence of conclusive functional and genetic evidence.